The following is an entry in ClinVar:

NM_006919.3(SERPINB3):c.401T>C (p.Val134Ala)

Gene: SERPINB3 (serpin family B member 3; minus strand). Cytogenetic location: 18q21.33.
Variant type: single nucleotide variant.
Coding change: c.401T>C on transcript NM_006919.3 (MANE Select); coding-DNA position 401, T replaced by C.
Protein change: p.Val134Ala; replaces valine 134 with alanine.
Molecular consequence: missense variant.
Genome position (GRCh38, 1-based): chr18:63,658,581, A>G on the plus strand (T>C on the coding strand, the complement: SERPINB3 is on the minus strand). VCF-style: chr18-63658581-A-G. GRCh37 (hg19) VCF-style: chr18-61325815-A-G.
Other names: c.401T>C (NM_006919.2); short protein forms V134A.
Identifiers: ClinVar variation 2648793 (VCV002648793.25), dbSNP rs148254791, ClinGen allele CA8988596.
Genomic context (GRCh38, chr18:63,658,581, plus strand): 5'-TGACTTTCCACCCAGGAGTTAATCTTCTTTCGACTTTCTTCTGGAGCATTTGCAAAATCA[A>G]CAGATTCCACACTGGTCTGGTAAAATTTCTTGATGGCATCTAAATATTCCTTTGAGATAT-3'
Protein context (NP_008850.1, residues 124-144): KKFYQTSVES[Val134Ala]DFANAPEESR

ClinVar aggregate classification (germline): Likely benign. Review status: criteria provided, multiple submitters, no conflicts (2 of 4 stars). 2 submissions from 2 submitters: Likely benign (2). Last evaluated 2025-08-02.

Allele frequency attached by ClinVar (database versions not stated): ExAC 0.00002; 1000 Genomes Project 0.00559; 1000 Genomes Project 30x 0.00593; gnomAD 0.00974; gnomAD exomes 0.01182.
gnomAD v4.1: 18,427 of 1,592,104 alleles (1.2%); highest among the groups gnomAD compares: Non-Finnish European, 1.4%; 297 homozygotes.

Submissions (2):

Ambry Genetics
Classification: Likely benign. Last evaluated: 2025-08-02. Review status: criteria provided, single submitter. Criteria: Ambry Variant Classification Scheme 2023. Collection method: clinical testing. Allele origin: germline.

CeGaT Center for Human Genetics Tuebingen
Classification: Likely benign. Last evaluated: 2024-03-01. Review status: criteria provided, single submitter. Criteria: CeGaT Center For Human Genetics Tuebingen Variant Classification Criteria Version 2. Collection method: clinical testing. Allele origin: germline. Affected: yes. Observed: 3 variant alleles.
Comment: SERPINB3: BP4, BS2